The following is an entry in ClinVar:

NM_002471.4(MYH6):c.5195T>C (p.Met1732Thr)

Gene: MYH6 (myosin heavy chain 6; minus strand). Cytogenetic location: 14q11.2.
Variant type: single nucleotide variant.
Coding change: c.5195T>C on transcript NM_002471.4 (MANE Select); coding-DNA position 5195, T replaced by C.
Protein change: p.Met1732Thr; replaces methionine 1732 with threonine.
Molecular consequence: missense variant.
Genome position (GRCh38, 1-based): chr14:23,385,010, A>G on the plus strand (T>C on the coding strand, the complement: MYH6 is on the minus strand). VCF-style: chr14-23385010-A-G. GRCh37 (hg19) VCF-style: chr14-23854219-A-G.
Other names: short protein forms M1732T.
Identifiers: ClinVar variation 4527746 (VCV004527746.1).

ClinVar aggregate classification (germline): Uncertain significance (1 of 4 stars; one submission).

Submission:

GeneDx
Classification: Uncertain significance. Last evaluated: 2025-05-02. Review status: criteria provided, single submitter. Criteria: GeneDx Variant Classification Process June 2021. Collection method: clinical testing. Allele origin: germline. Affected: yes.
Comment: Not observed at significant frequency in large population cohorts (gnomAD); In silico analysis suggests that this missense variant does not alter protein structure/function; Has not been previously published as pathogenic or benign to our knowledge